The following is an entry in ClinVar:

NM_176787.5(PIGN):c.1365A>G (p.Ile455Met)

Gene: PIGN (phosphatidylinositol glycan anchor biosynthesis class N; minus strand). Cytogenetic location: 18q21.33.
Variant type: single nucleotide variant.
Coding change: c.1365A>G on transcript NM_176787.5 (MANE Select); coding-DNA position 1365, A replaced by G.
Protein change: p.Ile455Met; replaces isoleucine 455 with methionine.
Molecular consequence: missense variant.
Genome position (GRCh38, 1-based): chr18:62,113,203, T>C on the plus strand (A>G on the coding strand, the complement: PIGN is on the minus strand). VCF-style: chr18-62113203-T-C. GRCh37 (hg19) VCF-style: chr18-59780436-T-C.
Other names: c.1365A>G, p.Ile455Met (NM_012327.6); short protein forms I455M.
Identifiers: ClinVar variation 588764 (VCV000588764.11), dbSNP rs773897013, ClinGen allele CA8982321.

ClinVar aggregate classification (germline): Uncertain significance. Review status: criteria provided, multiple submitters, no conflicts (2 of 4 stars). 2 submissions from 2 submitters: Uncertain significance (2). Last evaluated 2025-07-14.

Conditions:
Inborn genetic diseases. Identifiers: MedGen C0950123, MeSH D030342.
Multiple congenital anomalies-hypotonia-seizures syndrome 1 (MCAHS1). Also called: PIGN-CDG; Congenital disorder of glycosylation due to PIGN deficiency; GLYCOSYLPHOSPHATIDYLINOSITOL BIOSYNTHESIS DEFECT 3. Identifiers: Orphanet 280633, MedGen C3279775, MONDO:0013563, OMIM 614080.

Allele frequency attached by ClinVar (database versions not stated): gnomAD exomes 0.00002 and 0.00003; ExAC 0.00003; TOPMed 0.00003; gnomAD 0.00004.
gnomAD v4.1: 47 of 1,612,714 alleles (0.0029%); highest among the groups gnomAD compares: Non-Finnish European, 0.0036%; no homozygotes.

Submissions (2):

Labcorp Genetics (formerly Invitae), Labcorp
Classification: Uncertain significance for Multiple congenital anomalies-hypotonia-seizures syndrome 1. Last evaluated: 2025-07-14. Review status: criteria provided, single submitter. Criteria: Invitae Variant Classification Sherloc (09022015). Collection method: clinical testing. Allele origin: germline.
Comment: This sequence change replaces isoleucine, which is neutral and non-polar, with methionine, which is neutral and non-polar, at codon 455 of the PIGN protein (p.Ile455Met). This variant is present in population databases (rs773897013, gnomAD 0.005%). This variant has not been reported in the literature in individuals affected with PIGN-related conditions. ClinVar contains an entry for this variant (Variation ID: 588764). Invitae Evidence Modeling of protein sequence and biophysical properties (such as structural, functional, and spatial information, amino acid conservation, physicochemical variation, residue mobility, and thermodynamic stability) indicates that this missense variant is not expected to disrupt PIGN protein function with a negative predictive value of 80%. In summary, the available evidence is currently insufficient to determine the role of this variant in disease. Therefore, it has been classified as a Variant of Uncertain Significance.

Ambry Genetics
Classification: Uncertain significance for Inborn genetic diseases. Last evaluated: 2017-02-06. Review status: criteria provided, single submitter. Criteria: Ambry Variant Classification Scheme 2023. Collection method: clinical testing. Allele origin: germline.
Comment: The p.I455M variant (also known as c.1365A>G), located in coding exon 13 of the PIGN gene, results from an A to G substitution at nucleotide position 1365. The isoleucine at codon 455 is replaced by methionine, an amino acid with highly similar properties. This amino acid position is not well conserved in available vertebrate species. In addition, this alteration is predicted to be tolerated by in silico analysis. Since supporting evidence is limited at this time, the clinical significance of this alteration remains unclear.